The following is an entry in ClinVar:

NM_006371.5(CRTAP):c.99C>G (p.Phe33Leu)

Gene: CRTAP (cartilage associated protein; plus strand). Cytogenetic location: 3p22.3.
Variant type: single nucleotide variant.
Coding change: c.99C>G on transcript NM_006371.5 (MANE Select); coding-DNA position 99, C replaced by G.
Protein change: p.Phe33Leu; replaces phenylalanine 33 with leucine.
Molecular consequence: missense variant.
Genome position (GRCh38, 1-based): chr3:33,114,176, C>G. VCF-style: chr3-33114176-C-G. GRCh37 (hg19) VCF-style: chr3-33155668-C-G.
Other names: c.99C>G, p.Phe33Leu (NM_001393363.1, NM_001393364.1, NM_001393365.1); short protein forms F33L.
Identifiers: ClinVar variation 1933055 (VCV001933055.3), dbSNP rs777919906, ClinGen allele CA2300195.

ClinVar aggregate classification (germline): Uncertain significance. Review status: criteria provided, multiple submitters, no conflicts (2 of 4 stars). 2 submissions from 2 submitters: Uncertain significance (2). Last evaluated 2025-06-05.

Conditions:
Inborn genetic diseases. Identifiers: MedGen C0950123, MeSH D030342.
Osteogenesis imperfecta type 7 (OI7). Also called: OSTEOGENESIS IMPERFECTA, TYPE IIB; Osteogenesis imperfecta type 2B; OI type 2B; Osteogenesis imperfecta, perinatal lethal autosomal recessive; OI type IIB; OI type 7. Identifiers: MedGen C1853162, MONDO:0012536, OMIM 610682.

Allele frequency attached by ClinVar (database versions not stated): gnomAD 0.00001; TOPMed 0.00001; gnomAD exomes 0.00003; ExAC 0.00008.
gnomAD v4.1: 24 of 1,592,160 alleles (0.0015%); highest among the groups gnomAD compares: Non-Finnish European, 0.0013%; no homozygotes.

Submissions (2):

Ambry Genetics
Classification: Uncertain significance for Inborn genetic diseases. Last evaluated: 2025-06-05. Review status: criteria provided, single submitter. Criteria: Ambry Variant Classification Scheme 2023. Collection method: clinical testing. Allele origin: germline.

Labcorp Genetics (formerly Invitae), Labcorp
Classification: Uncertain significance for Osteogenesis imperfecta type 7. Last evaluated: 2022-01-23. Review status: criteria provided, single submitter. Criteria: Invitae Variant Classification Sherloc (09022015). Collection method: clinical testing. Allele origin: germline.
Comment: This sequence change replaces phenylalanine, which is neutral and non-polar, with leucine, which is neutral and non-polar, at codon 33 of the CRTAP protein (p.Phe33Leu). This variant is present in population databases (rs777919906, gnomAD 0.009%). This variant has not been reported in the literature in individuals affected with CRTAP-related conditions. Algorithms developed to predict the effect of missense changes on protein structure and function are either unavailable or do not agree on the potential impact of this missense change (SIFT: "Deleterious"; PolyPhen-2: "Possibly Damaging"; Align-GVGD: "Class C0"). In summary, the available evidence is currently insufficient to determine the role of this variant in disease. Therefore, it has been classified as a Variant of Uncertain Significance.